The following is an entry in ClinVar:

NM_005477.3(HCN4):c.493C>T (p.Pro165Ser)

Gene: HCN4 (hyperpolarization activated cyclic nucleotide gated potassium channel 4; minus strand). Cytogenetic location: 15q24.1.
Variant type: single nucleotide variant.
Coding change: c.493C>T on transcript NM_005477.3 (MANE Select); coding-DNA position 493, C replaced by T.
Protein change: p.Pro165Ser; replaces proline 165 with serine.
Molecular consequence: missense variant.
Genome position (GRCh38, 1-based): chr15:73,367,778, G>A on the plus strand (C>T on the coding strand, the complement: HCN4 is on the minus strand). VCF-style: chr15-73367778-G-A. GRCh37 (hg19) VCF-style: chr15-73660119-G-A.
Other names: short protein forms P165S.
Identifiers: ClinVar variation 660308 (VCV000660308.9), dbSNP rs1489387068, ClinGen allele CA393097856.

ClinVar aggregate classification (germline): Uncertain significance. Review status: criteria provided, multiple submitters, no conflicts (2 of 4 stars). 2 submissions from 2 submitters: Uncertain significance (2). Last evaluated 2024-08-10.

Conditions:
Sick sinus syndrome 2, autosomal dominant (SSS2). Also called: SINUS BRADYCARDIA SYNDROME, FAMILIAL, AUTOSOMAL DOMINANT; SINUS NODE DISEASE, FAMILIAL, AUTOSOMAL DOMINANT; ATRIAL FIBRILLATION WITH BRADYARRHYTHMIA; SICK SINUS SYNDROME 2; SICK SINUS SYNDROME 2 WITH OR WITHOUT CARDIAC NONCOMPACTION AND/OR ASCENDING AORTA DILATION. Identifiers: Orphanet 166282, MedGen C1834144, MONDO:0008102, OMIM 163800.
Brugada syndrome 8 (BRGDA8). Identifiers: Orphanet 130, MedGen C2751083, MONDO:0013148, OMIM 613123.
Epilepsy, idiopathic generalized, susceptibility to, 18. Identifiers: MedGen C5561983, MONDO:0030434, OMIM 619521.

Allele frequency attached by ClinVar (database versions not stated): gnomAD exomes below 0.00001 and 0.00001.
gnomAD v4.1: 3 of 1,481,748 alleles (0.0002%); highest among the groups gnomAD compares: South Asian, 0.0013%; no homozygotes.

Submissions (2):

Labcorp Genetics (formerly Invitae), Labcorp
Classification: Uncertain significance for Brugada syndrome 8. Last evaluated: 2024-08-10. Review status: criteria provided, single submitter. Criteria: Invitae Variant Classification Sherloc (09022015). Collection method: clinical testing. Allele origin: germline.
Comment: This sequence change replaces proline, which is neutral and non-polar, with serine, which is neutral and polar, at codon 165 of the HCN4 protein (p.Pro165Ser). This variant is present in population databases (no rsID available, gnomAD 0.003%). This variant has not been reported in the literature in individuals affected with HCN4-related conditions. ClinVar contains an entry for this variant (Variation ID: 660308). Advanced modeling of protein sequence and biophysical properties (such as structural, functional, and spatial information, amino acid conservation, physicochemical variation, residue mobility, and thermodynamic stability) performed at Invitae indicates that this missense variant is not expected to disrupt HCN4 protein function with a negative predictive value of 95%. In summary, the available evidence is currently insufficient to determine the role of this variant in disease. Therefore, it has been classified as a Variant of Uncertain Significance.

Fulgent Genetics
Classification: Uncertain significance for Sick sinus syndrome 2, autosomal dominant; Brugada syndrome 8; Epilepsy, idiopathic generalized, susceptibility to, 18. Last evaluated: 2021-07-01. Review status: criteria provided, single submitter. Criteria: ACMG Guidelines, 2015. Collection method: clinical testing. Allele origin: unknown.